The following is an entry in ClinVar:

NM_004281.4(BAG3):c.485C>T (p.Pro162Leu)

Gene: BAG3 (BAG cochaperone 3; plus strand). Cytogenetic location: 10q26.11.
Variant type: single nucleotide variant.
Coding change: c.485C>T on transcript NM_004281.4 (MANE Select); coding-DNA position 485, C replaced by T.
Protein change: p.Pro162Leu; replaces proline 162 with leucine.
Molecular consequence: missense variant.
Genome position (GRCh38, 1-based): chr10:119,670,155, C>T. VCF-style: chr10-119670155-C-T. GRCh37 (hg19) VCF-style: chr10-121429667-C-T.
Other names: short protein forms P162L.
Identifiers: ClinVar variation 955322 (VCV000955322.9), dbSNP rs373446989, ClinGen allele CA5716332.

ClinVar aggregate classification (germline): Uncertain significance. Review status: criteria provided, multiple submitters, no conflicts (2 of 4 stars). 5 submissions from 5 submitters: Uncertain significance (5). Last evaluated 2024-10-15.

Conditions:
Cardiovascular phenotype. Identifiers: MedGen CN230736.
Dilated cardiomyopathy 1HH (CMD1HH). Identifiers: Orphanet 154, MedGen C3151293, MONDO:0013479, OMIM 613881.
Myofibrillar myopathy 6. Identifiers: Orphanet 199340, MedGen C2751831, MONDO:0013061, OMIM 612954.

Allele frequency attached by ClinVar (database versions not stated): gnomAD exomes 0.00002 and 0.00003; TOPMed 0.00002; gnomAD 0.00003; ExAC 0.00004; ESP Exome Variant Server 0.00008.
gnomAD v4.1: 48 of 1,611,094 alleles (0.003%); highest among the groups gnomAD compares: Non-Finnish European, 0.0039%; no homozygotes.

Submissions (5):

Labcorp Genetics (formerly Invitae), Labcorp
Classification: Uncertain significance for Dilated cardiomyopathy 1HH; Myofibrillar myopathy 6. Last evaluated: 2024-10-15. Review status: criteria provided, single submitter. Criteria: Invitae Variant Classification Sherloc (09022015). Collection method: clinical testing. Allele origin: germline.
Comment: This sequence change replaces proline, which is neutral and non-polar, with leucine, which is neutral and non-polar, at codon 162 of the BAG3 protein (p.Pro162Leu). This variant is present in population databases (rs373446989, gnomAD 0.005%). This missense change has been observed in individual(s) with sudden unexplained death (PMID: 29247119). ClinVar contains an entry for this variant (Variation ID: 955322). Invitae Evidence Modeling of protein sequence and biophysical properties (such as structural, functional, and spatial information, amino acid conservation, physicochemical variation, residue mobility, and thermodynamic stability) indicates that this missense variant is not expected to disrupt BAG3 protein function with a negative predictive value of 80%. In summary, the available evidence is currently insufficient to determine the role of this variant in disease. Therefore, it has been classified as a Variant of Uncertain Significance.

GeneDx
Classification: Uncertain significance. Last evaluated: 2024-07-09. Review status: criteria provided, single submitter. Criteria: GeneDx Variant Classification Process June 2021. Collection method: clinical testing. Allele origin: germline. Affected: yes.
Comment: Reported previously as a variant of uncertain significance in a patient from a cohort of sudden unexplained deaths; however, no clinical information was provided (PMID: 29247119); In silico analysis supports that this missense variant has a deleterious effect on protein structure/function; This variant is associated with the following publications: (PMID: 29247119)

Ambry Genetics
Classification: Uncertain significance for Cardiovascular phenotype. Last evaluated: 2024-01-08. Review status: criteria provided, single submitter. Criteria: Ambry Variant Classification Scheme 2023. Collection method: clinical testing. Allele origin: germline.
Comment: The p.P162L variant (also known as c.485C>T), located in coding exon 2 of the BAG3 gene, results from a C to T substitution at nucleotide position 485. The proline at codon 162 is replaced by leucine, an amino acid with similar properties. This alteration has been reported in a sudden unexplained death cohort; however, clinical details were limited (Lin Y et al. Circ Cardiovasc Genet, 2017 Dec;10:[ePub ahead of print]). This amino acid position is not well conserved in available vertebrate species. In addition, this alteration is predicted to be tolerated by in silico analysis. Since supporting evidence is limited at this time, the clinical significance of this alteration remains unclear.

Clinical Genetics Laboratory, Skane University Hospital Lund
Classification: Uncertain significance. Last evaluated: 2022-05-27. Review status: criteria provided, single submitter. Criteria: ACMG Guidelines, 2015. Collection method: clinical testing. Allele origin: germline. Affected: yes.

Fulgent Genetics
Classification: Uncertain significance for Myofibrillar myopathy 6; Dilated cardiomyopathy 1HH. Last evaluated: 2021-09-22. Review status: criteria provided, single submitter. Criteria: ACMG Guidelines, 2015. Collection method: clinical testing. Allele origin: unknown.

Literature cited by the submitters: PubMed 29247119 (cited by Labcorp Genetics (formerly Invitae), Labcorp and Ambry Genetics).